The following is an entry in ClinVar:

NM_001366145.2(TRPM3):c.3307G>A (p.Ala1103Thr)

Gene: TRPM3 (transient receptor potential cation channel subfamily M member 3; minus strand). Cytogenetic location: 9q21.12.
Variant type: single nucleotide variant.
Coding change: c.3307G>A on transcript NM_001366145.2 (MANE Select); coding-DNA position 3307, G replaced by A.
Protein change: p.Ala1103Thr; replaces alanine 1103 with threonine.
Molecular consequence: missense variant.
Genome position (GRCh38, 1-based): chr9:70,553,227, C>T on the plus strand (G>A on the coding strand, the complement: TRPM3 is on the minus strand). VCF-style: chr9-70553227-C-T. GRCh37 (hg19) VCF-style: chr9-73168143-C-T.
Other names: c.3271G>A, p.Ala1091Thr (NM_001007471.4, NM_001366151.2); c.3277G>A, p.Ala1093Thr (NM_001366141.2, NM_001366143.2, NM_001366149.2); c.3313G>A, p.Ala1105Thr (NM_001366142.2); c.3307G>A, p.Ala1103Thr (NM_001366146.2); c.3382G>A, p.Ala1128Thr (NM_001366147.2, NM_001366152.2); c.3352G>A, p.Ala1118Thr (NM_001366148.2); c.3241G>A, p.Ala1081Thr (NM_001366150.2); c.2848G>A, p.Ala950Thr (NM_001366154.2, NM_024971.7); and 5 more; short protein forms A1081T, A1091T, A1093T, A1103T, A1105T, A1118T, A1128T, A928T.
Identifiers: ClinVar variation 4890723 (VCV004890723.1).
Genomic context (GRCh38, chr9:70,553,227, plus strand): 5'-CAGCAATGAGGAGGTTGACCAGCAAGATGTTTGCCACTAAGAGGTAGCAGGCCATGATGG[C>T]CGGCACGATCCAAGCTCCTGTCTTGCAGGGAGGCAGCTGGATTATTTTACCATCCTCTCG-3'
Protein context (NP_001353074.1, residues 1093-1113): PCKTGAWIVP[Ala1103Thr]IMACYLLVAN

ClinVar aggregate classification (germline): Uncertain significance (1 of 4 stars; one submission).

Conditions:
Neurodevelopmental disorder with hypotonia, dysmorphic facies, and skeletal anomalies, with or without seizures (NEDFSS). Also called: TRPM3-Related Neurodevelopmental Disorder. Identifiers: MedGen C5830244, MONDO:0859365, OMIM 620224.

Submission:

Institute of Human Genetics, University of Leipzig Medical Center
Classification: Uncertain significance for Neurodevelopmental disorder with hypotonia, dysmorphic facies, and skeletal anomalies, with or without seizures. Last evaluated: 2026-07-13. Review status: criteria provided, single submitter. Criteria: ACMG Guidelines, 2015. Collection method: clinical testing. Allele origin: unknown. Inheritance: Autosomal dominant inheritance. Affected: yes.
Comment: Criteria applied: PM2,PP2,PP3